The following is an entry in ClinVar:

ClinVar aggregate classification (germline): Uncertain significance (1 of 4 stars; one submission).

Allele frequency attached by ClinVar (database versions not stated): gnomAD exomes below 0.00001; ExAC 0.00001; gnomAD 0.00001; TOPMed 0.00001.
gnomAD v4.1: 5 of 1,598,966 alleles (0.00031%); highest among the groups gnomAD compares: Admixed American, 0.0033%; no homozygotes.

Submission:

Labcorp Genetics (formerly Invitae), Labcorp
Classification: Uncertain significance. Last evaluated: 2024-01-03. Review status: criteria provided, single submitter. Criteria: Invitae Variant Classification Sherloc (09022015). Collection method: clinical testing. Allele origin: germline.
Comment: This sequence change replaces alanine, which is neutral and non-polar, with threonine, which is neutral and polar, at codon 173 of the CHD8 protein (p.Ala173Thr). This variant is present in population databases (rs779469051, gnomAD 0.006%). This variant has not been reported in the literature in individuals affected with CHD8-related conditions. Algorithms developed to predict the effect of missense changes on protein structure and function output the following: SIFT: "Not Available"; PolyPhen-2: "Benign"; Align-GVGD: "Not Available". The threonine amino acid residue is found in multiple mammalian species, which suggests that this missense change does not adversely affect protein function. In summary, the available evidence is currently insufficient to determine the role of this variant in disease. Therefore, it has been classified as a Variant of Uncertain Significance.

NM_001170629.2(CHD8):c.517G>A (p.Ala173Thr)

Gene: CHD8 (chromodomain helicase DNA binding protein 8; minus strand). Cytogenetic location: 14q11.2.
Variant type: single nucleotide variant.
Coding change: c.517G>A on transcript NM_001170629.2 (MANE Select); coding-DNA position 517, G replaced by A.
Protein change: p.Ala173Thr; replaces alanine 173 with threonine.
Molecular consequence: missense variant. On other transcripts: intron variant (1).
Genome position (GRCh38, 1-based): chr14:21,431,127, C>T on the plus strand (G>A on the coding strand, the complement: CHD8 is on the minus strand). VCF-style: chr14-21431127-C-T. GRCh37 (hg19) VCF-style: chr14-21899286-C-T.
Other names: c.6+684G>A (NM_020920.4); short protein forms A173T.
Identifiers: ClinVar variation 2986518 (VCV002986518.3), dbSNP rs779469051, ClinGen allele CA7091948.